The following is an entry in ClinVar:

NM_000088.4(COL1A1):c.2774del (p.Pro925fs)

Gene: COL1A1 (collagen type I alpha 1 chain; minus strand). Cytogenetic location: 17q21.33.
Variant type: Deletion.
Coding change: c.2774del on transcript NM_000088.4 (MANE Select); coding-DNA position 2774, one base deleted (C; older notation c.2774delC).
Protein change: p.Pro925fs; shifts the reading frame from proline 925.
Molecular consequence: frameshift variant.
Genome position (GRCh38, 1-based): chr17:50,189,432, G deleted on the plus strand (C on the coding strand, the reverse complement: COL1A1 is on the minus strand); the first of 5 consecutive G bases (chr17:50,189,432-50,189,436); deleting any one gives the same sequence. VCF-style (leftmost placement, unchanged base first): chr17-50189431-AG-A. GRCh37 (hg19) VCF-style: chr17-48266792-AG-A.
Other names: short protein forms P925fs.
Identifiers: ClinVar variation 962498 (VCV000962498.11), dbSNP rs1906868595, ClinGen allele CA1139665696.
Genomic context (GRCh38, chr17:50,189,431, plus strand): 5'-ACTTACAGCAGGACCATCAGCACCAGGGGATCCTTTCTCGCCAGCAGGGCCAGGGGGACC[AG>A]GGGGACCAACTTCACCAGGACGTCCAGCAGGGCCAGTCTCACCACGGGGACCTTTGCCGC-3'

ClinVar aggregate classification (germline): Pathogenic. Review status: criteria provided, multiple submitters, no conflicts (2 of 4 stars). 2 submissions from 2 submitters: Pathogenic (2). Last evaluated 2026-02-27.

Conditions:
Osteogenesis imperfecta type I (OI1). Also called: OI, TYPE I; OSTEOGENESIS IMPERFECTA TARDA; OSTEOGENESIS IMPERFECTA WITH BLUE SCLERAE; Osteogenesis imperfecta type 1; Classic Non-deforming Osteogenesis Imperfecta with Blue Sclerae; Lobstein disease. Identifiers: Orphanet 216796, Orphanet 666, MedGen C0023931, MONDO:0008146, OMIM 166200. Disease mechanism: loss of function.

Submissions (2):

GeneDx
Classification: Pathogenic. Last evaluated: 2026-02-27. Review status: criteria provided, single submitter. Criteria: GeneDx Variant Classification Process June 2021. Collection method: clinical testing. Allele origin: germline.
Comment: Frameshift variant predicted to result in protein truncation or nonsense mediated decay in a gene for which loss of function is a known mechanism of disease; Not observed at significant frequency in large population cohorts (gnomAD); This variant is associated with the following publications: (PMID: 23529829)

Labcorp Genetics (formerly Invitae), Labcorp
Classification: Pathogenic for Osteogenesis imperfecta type I. Last evaluated: 2020-03-02. Review status: criteria provided, single submitter. Criteria: Invitae Variant Classification Sherloc (09022015). Collection method: clinical testing. Allele origin: germline.
Comment: For these reasons, this variant has been classified as Pathogenic. Loss-of-function variants in COL1A1 are known to be pathogenic (PMID: 7942841, 9295084, 9443882). This variant has been observed in an individual affected with osteogenesis imperfecta (PMID: 23529829). This variant is also known as c.2770delC in the literature. This variant is not present in population databases (ExAC no frequency). This sequence change creates a premature translational stop signal (p.Pro925Leufs*183) in the COL1A1 gene. It is expected to result in an absent or disrupted protein product.

Literature cited by the submitters: PubMed 7942841 (cited by Labcorp Genetics (formerly Invitae), Labcorp); PubMed 9295084 (cited by Labcorp Genetics (formerly Invitae), Labcorp); PubMed 9443882 (cited by Labcorp Genetics (formerly Invitae), Labcorp); PubMed 23529829 (cited by Labcorp Genetics (formerly Invitae), Labcorp).